The following is an entry in ClinVar:

ClinVar aggregate classification (germline): Pathogenic (1 of 4 stars; one submission).

Submission:

Labcorp Genetics (formerly Invitae), Labcorp
Classification: Pathogenic. Last evaluated: 2021-07-15. Review status: criteria provided, single submitter. Criteria: Invitae Variant Classification Sherloc (09022015). Collection method: clinical testing. Allele origin: germline.
Comment: This variant disrupts a region of the CDH23 protein in which other variant(s) (p.Asp1341Asn) have been determined to be pathogenic (PMID: 12522556, 19683999). This suggests that this is a clinically significant region of the protein, and that variants that disrupt it are likely to be disease-causing. For these reasons, this variant has been classified as Pathogenic. This variant has not been reported in the literature in individuals affected with CDH23-related conditions. This variant results in the deletion of exons 12-47 and part of exon 48 (c.1134+4003_6488del) of the CDH23 gene. It is expected to disrupt RNA splicing. Variants that disrupt the donor or acceptor splice site typically lead to a loss of protein function (PMID: 16199547), and loss-of-function variants in CDH23 are known to be pathogenic (PMID: 11138009, 21940737).

Literature cited by the submitters: PubMed 12522556; PubMed 19683999; PubMed 16199547; PubMed 11138009; PubMed 21940737.

NC_000010.10:g.(?_73381150)_(73553170_?)del

Genes: C10orf105 (chromosome 10 open reading frame 105; minus strand), CDH23 (cadherin related 23; plus strand), VSIR (V-set immunoregulatory receptor; minus strand). Cytogenetic location: 10q22.1.
Variant type: Deletion.
Identifiers: ClinVar variation 1459529 (VCV001459529.4).